The following is an entry in ClinVar:

ClinVar aggregate classification (germline): Benign (1 of 4 stars; one submission).

Conditions:
Junctional epidermolysis bullosa. Identifiers: Orphanet 305, MedGen C0079301, MONDO:0017612.

Allele frequency attached by ClinVar (database versions not stated): 1000 Genomes Project 0.01458; TOPMed 0.00224; gnomAD 0.00128 and 0.00213; 1000 Genomes Project 30x 0.01343.

Submission:

Illumina Laboratory Services, Illumina
Classification: Benign for Junctional epidermolysis bullosa. Last evaluated: 2018-01-12. Review status: criteria provided, single submitter. Criteria: ICSL Variant Classification Criteria 13 December 2019. Collection method: clinical testing. Allele origin: germline.
Comment: This variant was observed in the ICSL laboratory as part of a predisposition screen in an ostensibly healthy population. It had not been previously curated by ICSL or reported in the Human Gene Mutation Database (HGMD: prior to June 1st, 2018), and was therefore a candidate for classification through an automated scoring system. Utilizing variant allele frequency, disease prevalence and penetrance estimates, and inheritance mode, an automated score was calculated to assess if this variant is too frequent to cause the disease. Based on the score and internal cut-off values, a variant classified as benign is not then subjected to further curation. The score for this variant resulted in a classification of benign for this disease.

NM_005562.3(LAMC2):c.*1097C>T

Gene: LAMC2 (laminin subunit gamma 2; plus strand). Cytogenetic location: 1q25.3.
Variant type: single nucleotide variant.
Coding change: c.*1097C>T on transcript NM_005562.3 (MANE Select); 1097 bases downstream of the stop codon, C replaced by T.
Molecular consequence: 3 prime UTR variant.
Genome position (GRCh38, 1-based): chr1:183,244,497, C>T. VCF-style: chr1-183244497-C-T. GRCh37 (hg19) VCF-style: chr1-183213632-C-T.
Identifiers: ClinVar variation 294046 (VCV000294046.5), dbSNP rs76939882, ClinGen allele CA10608432.